The following is an entry in ClinVar:

ClinVar aggregate classification (germline): Uncertain significance (1 of 4 stars; one submission).

Submission:

Labcorp Genetics (formerly Invitae), Labcorp
Classification: Uncertain significance. Last evaluated: 2022-01-27. Review status: criteria provided, single submitter. Criteria: Invitae Variant Classification Sherloc (09022015). Collection method: clinical testing. Allele origin: germline.
Comment: In summary, the available evidence is currently insufficient to determine the role of this variant in disease. Therefore, it has been classified as a Variant of Uncertain Significance. Experimental studies and prediction algorithms are not available or were not evaluated, and the functional significance of this variant is currently unknown. This variant has not been reported in the literature in individuals affected with EFEMP1-related conditions. This variant is not present in population databases (gnomAD no frequency). This variant, c.332_334del, results in the deletion of 1 amino acid(s) of the EFEMP1 protein (p.Gly111del), but otherwise preserves the integrity of the reading frame.

NM_001039348.3(EFEMP1):c.332_334del (p.Gly111del)

Gene: EFEMP1 (EGF-like fibulin extracellular matrix protein 1; minus strand). Cytogenetic location: 2p16.1.
Variant type: Deletion.
Coding change: c.332_334del on transcript NM_001039348.3 (MANE Select); coding-DNA positions 332 to 334, 3 bases deleted (GAG; older notation c.332_334delGAG).
Protein change: p.Gly111del; deletes glycine 111.
Molecular consequence: inframe deletion.
Genome position (GRCh38, 1-based): chr2:55,917,848-55,917,850, CTC deleted on the plus strand (GAG on the coding strand, the reverse complement: EFEMP1 is on the minus strand); deleting any 3 consecutive bases within chr2:55,917,848-55,917,851 gives the same sequence; the c. name uses the placement nearest the transcript's 3' end. VCF-style (leftmost placement, unchanged base first): chr2-55917847-ACTC-A. GRCh37 (hg19) VCF-style: chr2-56144982-ACTC-A.
Other names: c.332_334del, p.Gly111del (NM_001039349.3); short protein forms G111del.
Identifiers: ClinVar variation 2090256 (VCV002090256.4), dbSNP rs2465837211, ClinGen allele CA2580067478.